The following is an entry in ClinVar:

ClinVar aggregate classification (germline): Benign. Review status: criteria provided, multiple submitters, no conflicts (2 of 4 stars). 3 submissions from 3 submitters: Benign (3). Last evaluated 2018-07-03.

Conditions:
Amyotrophic lateral sclerosis type 6. Also called: FUS-Related Amyotrophic Laterial Sclerosis; AMYOTROPHIC LATERAL SCLEROSIS 6 WITHOUT FRONTOTEMPORAL DEMENTIA; Amyotrophic lateral sclerosis 6, with or without frontotemporal dementia. Identifiers: Orphanet 275872, Orphanet 803, MedGen C2931786, MONDO:0011951, OMIM 608030.

Allele frequency attached by ClinVar (database versions not stated): 1000 Genomes Project 30x 0.93770; 1000 Genomes Project 0.93910; TOPMed 0.94262; ESP Exome Variant Server 0.94328; gnomAD 0.95117; ExAC 0.98459; gnomAD exomes 0.99518.
gnomAD v4.1: 1,584,120 of 1,599,102 alleles (99%); highest among the groups gnomAD compares: East Asian, 100%; 785,741 homozygotes.

Submissions (3):

GeneDx
Classification: Benign. Last evaluated: 2018-07-03. Review status: criteria provided, single submitter. Criteria: GeneDx Variant Classification Process June 2021. Collection method: clinical testing. Allele origin: germline. Affected: yes.

Illumina Laboratory Services, Illumina
Classification: Benign for Amyotrophic lateral sclerosis type 6. Last evaluated: 2018-01-12. Review status: criteria provided, single submitter. Criteria: ICSL Variant Classification Criteria 13 December 2019. Collection method: clinical testing. Allele origin: germline.
Comment: This variant was observed in the ICSL laboratory as part of a predisposition screen in an ostensibly healthy population. It had not been previously curated by ICSL or reported in the Human Gene Mutation Database (HGMD: prior to June 1st, 2018), and was therefore a candidate for classification through an automated scoring system. Utilizing variant allele frequency, disease prevalence and penetrance estimates, and inheritance mode, an automated score was calculated to assess if this variant is too frequent to cause the disease. Based on the score and internal cut-off values, a variant classified as benign is not then subjected to further curation. The score for this variant resulted in a classification of benign for this disease.

Breakthrough Genomics
Classification: Benign. Review status: criteria provided, single submitter. Criteria: ACMG Guidelines, 2015. Collection method: not provided. Allele origin: germline. Inheritance: Autosomal dominant inheritance. Affected: yes.

NM_004960.4(FUS):c.-54A>G

Gene: FUS (FUS RNA binding protein; plus strand). Cytogenetic location: 16p11.2.
Variant type: single nucleotide variant.
Coding change: c.-54A>G on transcript NM_004960.4 (MANE Select); 54 bases upstream of the start codon, A replaced by G.
Molecular consequence: 5 prime UTR variant. On other transcripts: non-coding transcript variant (1).
Genome position (GRCh38, 1-based): chr16:31,180,161, A>G. VCF-style: chr16-31180161-A-G. GRCh37 (hg19) VCF-style: chr16-31191482-A-G.
Other names: c.-54A>G (NM_001170634.1, NM_001170937.1).
Identifiers: ClinVar variation 318979 (VCV000318979.8), dbSNP rs929867, ClinGen allele CA8023311.